The following is an entry in ClinVar:

ClinVar aggregate classification (germline): Conflicting classifications of pathogenicity. Review status: criteria provided, conflicting classifications (1 of 4 stars). 2 submissions from 2 submitters: Uncertain significance (1); Likely benign (1). Last evaluated 2026-05-10.

Conditions:
Niemann-Pick disease, type C1. Also called: NIEMANN-PICK DISEASE, VARIANT TYPE C1; NEUROVISCERAL STORAGE DISEASE WITH VERTICAL SUPRANUCLEAR OPHTHALMOPLEGIA; NIEMANN-PICK DISEASE WITH CHOLESTEROL ESTERIFICATION BLOCK; NIEMANN-PICK DISEASE WITHOUT SPHINGOMYELINASE DEFICIENCY; NIEMANN-PICK DISEASE, CHRONIC NEURONOPATHIC FORM. Identifiers: Orphanet 646, MedGen C3179455, MONDO:0009757, OMIM 257220.
NPC1-related disorder. Also called: NPC1-related condition.

Allele frequency attached by ClinVar (database versions not stated): gnomAD 0.00002; gnomAD exomes 0.00003 and 0.00010; TOPMed 0.00004; ESP Exome Variant Server 0.00008; ExAC 0.00011.
gnomAD v4.1: 48 of 1,613,972 alleles (0.003%); highest among the groups gnomAD compares: South Asian, 0.038%; no homozygotes.

Submissions (2):

PreventionGenetics, part of Exact Sciences
Classification: Uncertain significance for NPC1-related condition. Last evaluated: 2026-05-10. Review status: criteria provided, single submitter. Criteria: ACMG Guidelines, 2015. Collection method: clinical testing. Allele origin: germline.
Comment: The NPC1 c.2928C>T variant is not predicted to result in an amino acid change (p.=). This variant is predicted to alter splicing based on available splicing prediction software (SpliceAI, Jaganathan et al. 2019. PubMed ID: 30661751). However, the use of computer prediction softwares is not equivalent to functional evidence. To our knowledge, this variant has not been reported in the literature. This variant is reported in 0.065% of alleles in individuals of South Asian descent in gnomAD. Although we suspect that this variant may be benign, at this time, the clinical significance of this variant is uncertain due to the absence of conclusive functional and genetic evidence.

Labcorp Genetics (formerly Invitae), Labcorp
Classification: Likely benign for Niemann-Pick disease, type C1. Last evaluated: 2025-10-17. Review status: criteria provided, single submitter. Criteria: Invitae Variant Classification Sherloc (09022015). Collection method: clinical testing. Allele origin: germline.

NM_000271.5(NPC1):c.2928C>T (p.Cys976=)

Gene: NPC1 (NPC intracellular cholesterol transporter 1; minus strand). Cytogenetic location: 18q11.2.
Variant type: single nucleotide variant.
Coding change: c.2928C>T on transcript NM_000271.5 (MANE Select); coding-DNA position 2928, C replaced by T.
Protein change: p.Cys976=; no amino-acid change (cysteine 976 retained).
Molecular consequence: synonymous variant.
Genome position (GRCh38, 1-based): chr18:23,538,655, G>A on the plus strand (C>T on the coding strand, the complement: NPC1 is on the minus strand). VCF-style: chr18-23538655-G-A. GRCh37 (hg19) VCF-style: chr18-21118619-G-A.
Other names: c.2928C>T (NM_000271.4).
Identifiers: ClinVar variation 1134746 (VCV001134746.8), dbSNP rs370766410, ClinGen allele CA8912909.